The following is an entry in ClinVar:

NM_020911.2(PLXNA4):c.3819G>A (p.Arg1273=)

Gene: PLXNA4 (plexin A4; minus strand). Cytogenetic location: 7q32.3.
Variant type: single nucleotide variant.
Coding change: c.3819G>A on transcript NM_020911.2 (MANE Select); coding-DNA position 3819, G replaced by A.
Protein change: p.Arg1273=; no amino-acid change (arginine 1273 retained).
Molecular consequence: synonymous variant.
Genome position (GRCh38, 1-based): chr7:132,179,742, C>T on the plus strand (G>A on the coding strand, the complement: PLXNA4 is on the minus strand). VCF-style: chr7-132179742-C-T. GRCh37 (hg19) VCF-style: chr7-131864501-C-T.
Other names: c.3819G>A, p.Arg1273= (NM_001393897.1).
Identifiers: ClinVar variation 3353469 (VCV003353469.1).

ClinVar aggregate classification (germline): Likely benign (0 of 4 stars; one submission).

Conditions:
PLXNA4-related disorder. Also called: PLXNA4-related condition.

gnomAD v4.1: 10 of 1,614,068 alleles (0.00062%); highest among the groups gnomAD compares: Non-Finnish European, 0.00076%; no homozygotes.

Submission:

PreventionGenetics, part of Exact Sciences
Classification: Likely benign for PLXNA4-related condition. Last evaluated: 2023-07-25. Review status: no assertion criteria provided. Collection method: clinical testing. Allele origin: germline.
Comment: This variant is classified as likely benign based on ACMG/AMP sequence variant interpretation guidelines (Richards et al. 2015 PMID: 25741868, with internal and published modifications).